The following is an entry in ClinVar:

NM_001035.3(RYR2):c.1613-13_1613-10del

Gene: RYR2 (ryanodine receptor 2; plus strand). Cytogenetic location: 1q43.
Variant type: Deletion.
Coding change: c.1613-13_1613-10del on transcript NM_001035.3 (MANE Select); 13 bases into the intron before coding-DNA position 1613 through 10 bases into the intron before coding-DNA position 1613, 4 bases deleted (TCTT; older notation c.1613-13_1613-10delTCTT).
Molecular consequence: intron variant.
Genome position (GRCh38, 1-based): chr1:237,469,079-237,469,082, TCTT deleted; deleting any 4 consecutive bases within chr1:237,469,077-237,469,082 gives the same sequence; the c. name uses the placement nearest the transcript's 3' end. VCF-style (leftmost placement, unchanged base first): chr1-237469076-ATTTC-A. GRCh37 (hg19) VCF-style: chr1-237632376-ATTTC-A.
Identifiers: ClinVar variation 3073837 (VCV003073837.1), dbSNP rs769646235, ClinGen allele CA1474922.
Genomic context (GRCh38, chr1:237,469,076, plus strand): 5'-AGGGCTGCATATTAGCTTATCTCAATTTTCGAGCTAGAAAATCACATAAAGGTGAAATCT[ATTTC>A]TTCTTTTGCAGCGGCTCTAATTAGAGGAAATCGTAAAAACTGTGCTCAATTTTCTGGCTC-3'

ClinVar aggregate classification (germline): Uncertain significance (1 of 4 stars; one submission).

Conditions:
Catecholaminergic polymorphic ventricular tachycardia (CVPT). Also called: Catecholamine-induced polymorphic ventricular tachycardia. Identifiers: Orphanet 3286, MedGen C5574922, MONDO:0017990.

Submission:

All of Us Research Program, National Institutes of Health
Classification: Uncertain significance for Catecholaminergic polymorphic ventricular tachycardia. Last evaluated: 2023-10-06. Review status: criteria provided, single submitter. Criteria: ACMG Guidelines, 2015. Collection method: clinical testing. Allele origin: germline. Inheritance: Autosomal dominant inheritance. Observed: 1 variant allele, 1 heterozygote.
Comment: This variant causes a deletion of four nucleotides in intron 16 of the RYR2 gene. To our knowledge, functional studies have not been reported for this variant. This variant has not been reported in individuals affected with RYR2-related disorders in the literature. This variant has been identified in 2/248372 chromosomes in the general population by the Genome Aggregation Database (gnomAD). The available evidence is insufficient to determine the role of this variant in disease conclusively. Therefore, this variant is classified as a Variant of Uncertain Significance.

This study involves interpretation of variants in research participants for the purpose of population health screening. Participant phenotype was not available at the time of variant classification. Additional details can be found in publication PMID: 35346344, PMCID: PMC8962531